The following is an entry in ClinVar:

ClinVar aggregate classification (germline): Uncertain significance. Review status: criteria provided, multiple submitters, no conflicts (2 of 4 stars). 3 submissions from 3 submitters: Uncertain significance (3). Last evaluated 2025-06-24.

Conditions:
Cardiac arrhythmia. Also called: Arrhythmia; Cardiac rhythm disease. Identifiers: MedGen C0003811, MONDO:0007263, HP:0011675.
Cardiovascular phenotype. Identifiers: MedGen CN230736.
Long QT syndrome (LQTS). Identifiers: MedGen C0023976, MeSH D008133, MONDO:0002442. Disease mechanism: loss of function. Inheritance: Various modes of inheritance.

Submissions (3):

Color Diagnostics, LLC DBA Color Health
Classification: Uncertain significance for Cardiac arrhythmia. Last evaluated: 2025-06-24. Review status: criteria provided, single submitter. Criteria: ACMG Guidelines, 2015. Collection method: clinical testing. Allele origin: germline.
Comment: This variant replaces lysine at codon 897 with three novel amino acids in the KCNH2 protein. To our knowledge, functional studies have not been reported for this variant. This variant has not been reported in individuals affected with KCNH2-related disorders in the literature. This variant has not been identified in the general population by the Genome Aggregation Database (gnomAD v2). The available evidence is insufficient to determine the role of this variant in disease conclusively. Therefore, this variant is classified as a Variant of Uncertain Significance.

Ambry Genetics
Classification: Uncertain significance for Cardiovascular phenotype. Last evaluated: 2024-04-16. Review status: criteria provided, single submitter. Criteria: Ambry Variant Classification Scheme 2023. Collection method: clinical testing. Allele origin: germline.
Comment: The c.2690delAinsCGGACAC variant (also known as p.K897delinsTDT), located in coding exon 11 of the KCNH2 gene, results from an in-frame deletion of A and insertion of CGGACAC at nucleotide position 2690. This results in the substitution of a well conserved lysine residue for a threonine residue at codon 897, and an insertion of an aspartic acid and a threonine residue. In addition, the in silico prediction for this alteration is inconclusive (Choi Y et al. PLoS ONE. 2012; 7(10):e46688). Based on the available evidence, the clinical significance of this variant remains unclear.

All of Us Research Program, National Institutes of Health
Classification: Uncertain significance for Long QT syndrome. Last evaluated: 2024-01-08. Review status: criteria provided, single submitter. Criteria: ACMG Guidelines, 2015. Collection method: clinical testing. Allele origin: germline. Inheritance: Autosomal dominant inheritance. Observed: 5 variant alleles, 5 heterozygotes.
Comment: This variant replaces lysine at codon 897 with three amino acids in the KCNH2 protein. To our knowledge, functional studies have not been reported for this variant. This variant has not been reported in individuals affected with KCNH2-related disorders in the literature. This variant has not been identified in the general population by the Genome Aggregation Database (gnomAD). The available evidence is insufficient to determine the role of this variant in disease conclusively. Therefore, this variant is classified as a Variant of Uncertain Significance.

This study involves interpretation of variants in research participants for the purpose of population health screening. Participant phenotype was not available at the time of variant classification. Additional details can be found in publication PMID: 35346344, PMCID: PMC8962531

NM_000238.4(KCNH2):c.2690delinsCGGACAC (p.Lys897delinsThrAspThr)

Gene: KCNH2 (potassium voltage-gated channel subfamily H member 2; minus strand). Cytogenetic location: 7q36.1.
Variant type: Indel.
Coding change: c.2690delinsCGGACAC on transcript NM_000238.4 (MANE Select); coding-DNA position 2690, A replaced by CGGACAC.
Protein change: p.Lys897delinsThrAspThr.
Molecular consequence: inframe indel.
Genome position (GRCh38, 1-based): chr7:150,948,446, T replaced by GTGTCCG on the plus strand (A replaced by CGGACAC on the coding strand, the reverse complement: KCNH2 is on the minus strand). VCF-style: chr7-150948446-T-GTGTCCG. GRCh37 (hg19) VCF-style: chr7-150645534-T-GTGTCCG.
Other names: c.2402delAinsCGGACAC, p.Lys801delinsThrAspThr (NM_001406753.1); c.1670delinsCGGACAC, p.Lys557delinsThrAspThr (NM_172057.3).
Identifiers: ClinVar variation 1794799 (VCV001794799.5), dbSNP rs1584846819, ClinGen allele CA2580077777.